The following is an entry in ClinVar:

ClinVar aggregate classification (germline): Benign/Likely benign. Review status: criteria provided, multiple submitters, no conflicts (2 of 4 stars). 5 submissions from 5 submitters: Benign (1); Likely benign (1). 3 of the submissions do not count toward it. Last evaluated 2026-02-01.

Conditions:
HYOU1-related disorder. Also called: HYOU1-related condition.

Allele frequency attached by ClinVar (database versions not stated): 1000 Genomes Project 30x 0.00031; TOPMed 0.00069; gnomAD 0.00122 and 0.00126; gnomAD exomes 0.00128.
gnomAD v4.1: 2,021 of 1,612,650 alleles (0.13%); highest among the groups gnomAD compares: Non-Finnish European, 0.13%; 2 homozygotes.

Submissions (5):

Labcorp Genetics (formerly Invitae), Labcorp
Classification: Benign. Last evaluated: 2026-02-01. Review status: criteria provided, single submitter. Criteria: Invitae Variant Classification Sherloc (09022015). Collection method: clinical testing. Allele origin: germline.

Blueprint Genetics
Classification: Likely benign. Last evaluated: 2024-11-04. Review status: criteria provided, single submitter. Criteria: ACMG Guidelines, 2015. Collection method: clinical testing. Allele origin: germline.

PreventionGenetics, part of Exact Sciences
Classification: Benign for HYOU1-related condition. Last evaluated: 2024-06-20. Review status: no assertion criteria provided. Collection method: clinical testing. Allele origin: germline. Not counted in ClinVar's aggregate classification.
Comment: This variant is classified as benign based on ACMG/AMP sequence variant interpretation guidelines (Richards et al. 2015 PMID: 25741868, with internal and published modifications).

Clinical Genetics DNA and cytogenetics Diagnostics Lab, Erasmus MC, Erasmus Medical Center
Classification: Likely benign. Review status: no assertion criteria provided. Collection method: clinical testing. Allele origin: germline. Affected: yes. Study: VKGL Data-share Consensus. Not counted in ClinVar's aggregate classification.

Genome Diagnostics Laboratory, University Medical Center Utrecht
Classification: Likely benign. Review status: no assertion criteria provided. Collection method: clinical testing. Allele origin: germline. Affected: yes. Study: VKGL Data-share Consensus. Not counted in ClinVar's aggregate classification.

NM_006389.5(HYOU1):c.2029G>A (p.Val677Ile)

Gene: HYOU1 (hypoxia up-regulated 1; minus strand). Cytogenetic location: 11q23.3.
Variant type: single nucleotide variant.
Coding change: c.2029G>A on transcript NM_006389.5 (MANE Select); coding-DNA position 2029, G replaced by A.
Protein change: p.Val677Ile; replaces valine 677 with isoleucine.
Molecular consequence: missense variant.
Genome position (GRCh38, 1-based): chr11:119,048,850, C>T on the plus strand (G>A on the coding strand, the complement: HYOU1 is on the minus strand). VCF-style: chr11-119048850-C-T. GRCh37 (hg19) VCF-style: chr11-118919562-C-T.
Other names: c.2029G>A (NM_006389.4); c.2029G>A, p.Val677Ile (NM_001130991.3); short protein forms V677I.
Identifiers: ClinVar variation 1165449 (VCV001165449.14), dbSNP rs147081612, ClinGen allele CA229619446.